The following is an entry in ClinVar:

NM_177924.5(ASAH1):c.890A>G (p.Asp297Gly)

Gene: ASAH1 (N-acylsphingosine amidohydrolase 1; minus strand). Cytogenetic location: 8p22.
Variant type: single nucleotide variant.
Coding change: c.890A>G on transcript NM_177924.5 (MANE Select); coding-DNA position 890, A replaced by G.
Protein change: p.Asp297Gly; replaces aspartic acid 297 with glycine.
Molecular consequence: missense variant.
Genome position (GRCh38, 1-based): chr8:18,059,599, T>C on the plus strand (A>G on the coding strand, the complement: ASAH1 is on the minus strand). VCF-style: chr8-18059599-T-C. GRCh37 (hg19) VCF-style: chr8-17917108-T-C.
Other names: c.872A>G, p.Asp291Gly (NM_001127505.3); c.695A>G, p.Asp232Gly (NM_001363743.2); c.938A>G, p.Asp313Gly (NM_004315.6); short protein forms D291G, D313G, D232G, D297G.
Identifiers: ClinVar variation 1354591 (VCV001354591.8), dbSNP rs2117018557, ClinGen allele CA370427918.

ClinVar aggregate classification (germline): Uncertain significance (1 of 4 stars; one submission).

Allele frequency attached by ClinVar (database versions not stated): gnomAD exomes below 0.00001.
gnomAD v4.1: 2 of 1,614,196 alleles (0.00012%); highest among the groups gnomAD compares: Non-Finnish European, 0.00017%; no homozygotes.

Submission:

Labcorp Genetics (formerly Invitae), Labcorp
Classification: Uncertain significance. Last evaluated: 2022-07-19. Review status: criteria provided, single submitter. Criteria: Invitae Variant Classification Sherloc (09022015). Collection method: clinical testing. Allele origin: germline.
Comment: In summary, the available evidence is currently insufficient to determine the role of this variant in disease. Therefore, it has been classified as a Variant of Uncertain Significance. Algorithms developed to predict the effect of missense changes on protein structure and function output the following: SIFT: "Tolerated"; PolyPhen-2: "Benign"; Align-GVGD: "Class C0". The glycine amino acid residue is found in multiple mammalian species, which suggests that this missense change does not adversely affect protein function. ClinVar contains an entry for this variant (Variation ID: 1354591). This variant has not been reported in the literature in individuals affected with ASAH1-related conditions. This variant is not present in population databases (gnomAD no frequency). This sequence change replaces aspartic acid, which is acidic and polar, with glycine, which is neutral and non-polar, at codon 297 of the ASAH1 protein (p.Asp297Gly).